The following is an entry in ClinVar:

NM_003659.4(AGPS):c.1233+5A>G

Gene: AGPS (alkylglycerone phosphate synthase; plus strand). Cytogenetic location: 2q31.2.
Variant type: single nucleotide variant.
Coding change: c.1233+5A>G on transcript NM_003659.4 (MANE Select); 5 bases into the intron after coding-DNA position 1233, A replaced by G.
Molecular consequence: intron variant.
Genome position (GRCh38, 1-based): chr2:177,482,191, A>G. VCF-style: chr2-177482191-A-G. GRCh37 (hg19) VCF-style: chr2-178346919-A-G.
Identifiers: ClinVar variation 332519 (VCV000332519.21), dbSNP rs370777451, ClinGen allele CA1980246.

ClinVar aggregate classification (germline): Likely benign. Review status: criteria provided, multiple submitters, no conflicts (2 of 4 stars). 4 submissions from 4 submitters: Likely benign (3). 1 of the submissions does not count toward it. Last evaluated 2026-01-28.

Conditions:
Rhizomelic chondrodysplasia punctata type 3 (RCDP3). Also called: ALKYLDIHYDROXYACETONEPHOSPHATE SYNTHASE DEFICIENCY; Alkylglycerone Phosphate Synthase (AGPS) deficiency. Identifiers: Orphanet 177, Orphanet 309803, MedGen C1838612, MONDO:0010823, OMIM 600121. Disease mechanism: loss of function.

Allele frequency attached by ClinVar (database versions not stated): gnomAD exomes 0.00015 and 0.00033; 1000 Genomes Project 0.00040; 1000 Genomes Project 30x 0.00047; ExAC 0.00057; ESP Exome Variant Server 0.00140; gnomAD 0.00166 and 0.00181; TOPMed 0.00191.
gnomAD v4.1: 458 of 1,481,612 alleles (0.031%); highest among the groups gnomAD compares: African/African-American, 0.6%; 2 homozygotes.

Submissions (4):

Labcorp Genetics (formerly Invitae), Labcorp
Classification: Likely benign. Last evaluated: 2026-01-28. Review status: criteria provided, single submitter. Criteria: Invitae Variant Classification Sherloc (09022015). Collection method: clinical testing. Allele origin: germline.

Illumina Laboratory Services, Illumina
Classification: Likely benign for Rhizomelic chondrodysplasia punctata type 3. Last evaluated: 2018-01-12. Review status: criteria provided, single submitter. Criteria: ICSL Variant Classification Criteria 13 December 2019. Collection method: clinical testing. Allele origin: germline.
Comment: This variant was observed in the ICSL laboratory as part of a predisposition screen in an ostensibly healthy population. It had not been previously curated by ICSL or reported in the Human Gene Mutation Database (HGMD: prior to June 1st, 2018), and was therefore a candidate for classification through an automated scoring system. Utilizing variant allele frequency, disease prevalence and penetrance estimates, and inheritance mode, an automated score was calculated to assess if this variant is too frequent to cause the disease. Based on the score and internal cut-off values, a variant classified as likely benign is not then subjected to further curation. The score for this variant resulted in a classification of likely benign for this disease.

Eurofins Ntd Llc (ga)
Classification: Likely benign. Last evaluated: 2016-09-29. Review status: criteria provided, single submitter. Criteria: EGL Classification Definitions 2015. Collection method: clinical testing. Allele origin: germline. Observed: 1 variant allele, 1 heterozygote.

Natera, Inc.
Classification: Benign for Rhizomelic chondrodysplasia punctata, type 3. Last evaluated: 2019-10-22. Review status: no assertion criteria provided. Collection method: clinical testing. Allele origin: germline. Not counted in ClinVar's aggregate classification.